The following is an entry in ClinVar:

NM_020971.3(SPTBN4):c.7089C>T (p.Pro2363=)

Genes: SPTBN4 (spectrin beta, non-erythrocytic 4; plus strand), LOC130064467 (ATAC-STARR-seq lymphoblastoid silent region 10632; plus strand). Cytogenetic location: 19q13.2.
Variant type: single nucleotide variant.
Coding change: c.7089C>T on transcript NM_020971.3 (MANE Select); coding-DNA position 7089, C replaced by T.
Protein change: p.Pro2363=; no amino-acid change (proline 2363 retained).
Molecular consequence: synonymous variant.
Genome position (GRCh38, 1-based): chr19:40,570,498, C>T. VCF-style: chr19-40570498-C-T. GRCh37 (hg19) VCF-style: chr19-41076404-C-T.
Identifiers: ClinVar variation 737292 (VCV000737292.4), dbSNP rs762706333, ClinGen allele CA9446893.
Genomic context (GRCh38, chr19:40,570,498, plus strand): 5'-GTCGCTGCCTCAGCCACGCGAGCTTCCCCCAGGTCGCCTGCCCAACGGGCTTGAGCTGCC[C>T]GAGCGGACACCTCGGCCGGACCGGCCCCGGGCGCGGGACCGGCCCAAGCCGCGACGGCGG-3'
Protein context (NP_066022.2, residues 2353-2373): PGRLPNGLEL[Pro2363=]ERTPRPDRPR

ClinVar aggregate classification (germline): Likely benign. Review status: criteria provided, multiple submitters, no conflicts (2 of 4 stars). 2 submissions from 2 submitters: Likely benign (2). Last evaluated 2026-03-25.

Conditions:
SPTBN4-related disorder. Also called: SPTBN4-related condition.

Allele frequency attached by ClinVar (database versions not stated): ExAC 0.00001; gnomAD exomes 0.00001; gnomAD 0.00002; TOPMed 0.00005.
gnomAD v4.1: 58 of 1,544,652 alleles (0.0038%); highest among the groups gnomAD compares: East Asian, 0.0079%; no homozygotes.

Submissions (2):

PreventionGenetics, part of Exact Sciences
Classification: Likely benign for SPTBN4-related condition. Last evaluated: 2026-03-25. Review status: criteria provided, single submitter. Criteria: ACMG Guidelines, 2015. Collection method: clinical testing. Allele origin: germline.
Comment: This variant is classified as likely benign based on ACMG/AMP sequence variant interpretation guidelines (Richards et al. 2015 PMID: 25741868, with internal and published modifications).

Labcorp Genetics (formerly Invitae), Labcorp
Classification: Likely benign. Last evaluated: 2018-03-01. Review status: criteria provided, single submitter. Criteria: Invitae Variant Classification Sherloc (09022015). Collection method: clinical testing. Allele origin: germline.